The following is an entry in ClinVar:

ClinVar aggregate classification (germline): Conflicting classifications of pathogenicity. Review status: criteria provided, conflicting classifications (1 of 4 stars). 2 submissions from 2 submitters: Uncertain significance (1); Likely benign (1). Last evaluated 2025-01-08.

Conditions:
Schuurs-Hoeijmakers syndrome. Also called: PACS1-Related Neurodevelopmental Disorder. Identifiers: Orphanet 329224, MedGen C3554343, MONDO:0014006, OMIM 615009.
Inborn genetic diseases. Identifiers: MedGen C0950123, MeSH D030342.

Allele frequency attached by ClinVar (database versions not stated): gnomAD 0.00001; ESP Exome Variant Server 0.00008; gnomAD exomes 0.00003; ExAC 0.00003.
gnomAD v4.1: 40 of 1,613,854 alleles (0.0025%); highest among the groups gnomAD compares: Middle Eastern, 0.016%; no homozygotes.

Submissions (2):

Ambry Genetics
Classification: Likely benign for Inborn genetic diseases. Last evaluated: 2025-01-08. Review status: criteria provided, single submitter. Criteria: Ambry Variant Classification Scheme 2023. Collection method: clinical testing. Allele origin: germline.

Labcorp Genetics (formerly Invitae), Labcorp
Classification: Uncertain significance for Schuurs-Hoeijmakers syndrome. Last evaluated: 2023-08-04. Review status: criteria provided, single submitter. Criteria: Invitae Variant Classification Sherloc (09022015). Collection method: clinical testing. Allele origin: germline.
Comment: This sequence change replaces valine, which is neutral and non-polar, with methionine, which is neutral and non-polar, at codon 238 of the PACS1 protein (p.Val238Met). This variant is present in population databases (rs377164490, gnomAD 0.01%). This variant has not been reported in the literature in individuals affected with PACS1-related conditions. ClinVar contains an entry for this variant (Variation ID: 1511182). Advanced modeling of protein sequence and biophysical properties (such as structural, functional, and spatial information, amino acid conservation, physicochemical variation, residue mobility, and thermodynamic stability) performed at Invitae indicates that this missense variant is not expected to disrupt PACS1 protein function. In summary, the available evidence is currently insufficient to determine the role of this variant in disease. Therefore, it has been classified as a Variant of Uncertain Significance.

NM_018026.4(PACS1):c.712G>A (p.Val238Met)

Gene: PACS1 (phosphofurin acidic cluster sorting protein 1; plus strand). Cytogenetic location: 11q13.2.
Variant type: single nucleotide variant.
Coding change: c.712G>A on transcript NM_018026.4 (MANE Select); coding-DNA position 712, G replaced by A.
Protein change: p.Val238Met; replaces valine 238 with methionine.
Molecular consequence: missense variant.
Genome position (GRCh38, 1-based): chr11:66,216,170, G>A. VCF-style: chr11-66216170-G-A. GRCh37 (hg19) VCF-style: chr11-65983641-G-A.
Other names: c.712G>A (NM_018026.2); short protein forms V238M.
Identifiers: ClinVar variation 1511182 (VCV001511182.7), dbSNP rs377164490, ClinGen allele CA6116325.